The following is an entry in ClinVar:

ClinVar aggregate classification (germline): Uncertain significance (1 of 4 stars; one submission).

gnomAD v4.1: 2 of 1,549,684 alleles (0.00013%); highest among the groups gnomAD compares: Middle Eastern, 0.017%; no homozygotes.

Submission:

Labcorp Genetics (formerly Invitae), Labcorp
Classification: Uncertain significance. Last evaluated: 2024-06-20. Review status: criteria provided, single submitter. Criteria: Invitae Variant Classification Sherloc (09022015). Collection method: clinical testing. Allele origin: germline.
Comment: This sequence change replaces valine, which is neutral and non-polar, with alanine, which is neutral and non-polar, at codon 804 of the PIEZO1 protein (p.Val804Ala). This variant is not present in population databases (gnomAD no frequency). This variant has not been reported in the literature in individuals affected with PIEZO1-related conditions. Advanced modeling of protein sequence and biophysical properties (such as structural, functional, and spatial information, amino acid conservation, physicochemical variation, residue mobility, and thermodynamic stability) performed at Invitae indicates that this missense variant is not expected to disrupt PIEZO1 protein function with a negative predictive value of 80%. In summary, the available evidence is currently insufficient to determine the role of this variant in disease. Therefore, it has been classified as a Variant of Uncertain Significance.

NM_001142864.4(PIEZO1):c.2411T>C (p.Val804Ala)

Genes: HSALR1 (HSP90AB1 associated lncRNA 1; plus strand), PIEZO1 (piezo type mechanosensitive ion channel component 1 (Er blood group); minus strand). Cytogenetic location: 16q24.3.
Variant type: single nucleotide variant.
Coding change: c.2411T>C on transcript NM_001142864.4 (MANE Select); coding-DNA position 2411, T replaced by C.
Protein change: p.Val804Ala; replaces valine 804 with alanine.
Molecular consequence: missense variant.
Genome position (GRCh38, 1-based): chr16:88,733,664, A>G on the plus strand (T>C on the coding strand, the complement: PIEZO1 is on the minus strand). VCF-style: chr16-88733664-A-G. GRCh37 (hg19) VCF-style: chr16-88800072-A-G.
Other names: short protein forms V804A.
Identifiers: ClinVar variation 3619379 (VCV003619379.2).
Genomic context (GRCh38, chr16:88,733,664, plus strand): 5'-CAGACGGTGTACAGGGCCACCAGCTTGAAAACGTGAAGCTCCAGCAGCCGCCGCAGGAAC[A>G]CCTGCACGCGTGAGAGGACGTCCGAGAAGCCGGCTGCCAGCTCCAGCAGCCGCTCAGCCA-3'
Protein context (NP_001136336.2, residues 794-814): GFSDVLSRVQ[Val804Ala]FLRRLLELHV